The following is an entry in ClinVar:

NM_005585.5(SMAD6):c.1190C>A (p.Pro397His)

Gene: SMAD6 (SMAD family member 6; plus strand). Cytogenetic location: 15q22.31.
Variant type: single nucleotide variant.
Coding change: c.1190C>A on transcript NM_005585.5 (MANE Select); coding-DNA position 1190, C replaced by A.
Protein change: p.Pro397His; replaces proline 397 with histidine.
Molecular consequence: missense variant. On other transcripts: non-coding transcript variant (1).
Genome position (GRCh38, 1-based): chr15:66,781,234, C>A. VCF-style: chr15-66781234-C-A. GRCh37 (hg19) VCF-style: chr15-67073572-C-A.
Other names: short protein forms P397H.
Identifiers: ClinVar variation 3320639 (VCV003320639.3).

ClinVar aggregate classification (germline): Uncertain significance. Review status: criteria provided, multiple submitters, no conflicts (2 of 4 stars). 2 submissions from 2 submitters: Uncertain significance (2). Last evaluated 2024-04-04.

Conditions:
Inborn genetic diseases. Identifiers: MedGen C0950123, MeSH D030342.
Aortic valve disease 2 (AOVD2). Identifiers: MedGen C3542024, MONDO:0013902, OMIM 614823.

gnomAD v4.1: 4 of 1,608,676 alleles (0.00025%); highest among the groups gnomAD compares: Non-Finnish European, 0.00034%; no homozygotes.

Submissions (2):

Ambry Genetics
Classification: Uncertain significance for Inborn genetic diseases. Last evaluated: 2024-04-04. Review status: criteria provided, single submitter. Criteria: Ambry Variant Classification Scheme 2023. Collection method: clinical testing. Allele origin: germline.
Comment: The p.P397H variant (also known as c.1190C>A), located in coding exon 4 of the SMAD6 gene, results from a C to A substitution at nucleotide position 1190. The proline at codon 397 is replaced by histidine, an amino acid with similar properties. This amino acid position is conserved. In addition, this alteration is predicted to be deleterious by in silico analysis. Based on the available evidence, the clinical significance of this variant remains unclear.

Labcorp Genetics (formerly Invitae), Labcorp
Classification: Uncertain significance for Aortic valve disease 2. Last evaluated: 2024-02-17. Review status: criteria provided, single submitter. Criteria: Invitae Variant Classification Sherloc (09022015). Collection method: clinical testing. Allele origin: germline.
Comment: This sequence change replaces proline, which is neutral and non-polar, with histidine, which is basic and polar, at codon 397 of the SMAD6 protein (p.Pro397His). This variant is not present in population databases (gnomAD no frequency). This variant has not been reported in the literature in individuals affected with SMAD6-related conditions. Advanced modeling of protein sequence and biophysical properties (such as structural, functional, and spatial information, amino acid conservation, physicochemical variation, residue mobility, and thermodynamic stability) performed at Invitae indicates that this missense variant is not expected to disrupt SMAD6 protein function with a negative predictive value of 80%. In summary, the available evidence is currently insufficient to determine the role of this variant in disease. Therefore, it has been classified as a Variant of Uncertain Significance.